The following is an entry in ClinVar:

NM_014889.4(PITRM1):c.336T>A (p.Cys112Ter)

Gene: PITRM1 (pitrilysin metallopeptidase 1; minus strand). Cytogenetic location: 10p15.2.
Variant type: single nucleotide variant.
Coding change: c.336T>A on transcript NM_014889.4 (MANE Select); coding-DNA position 336, T replaced by A.
Protein change: p.Cys112Ter; replaces cysteine 112 with a stop codon.
Molecular consequence: nonsense. On other transcripts: 5 prime UTR variant (3), non-coding transcript variant (4).
Genome position (GRCh38, 1-based): chr10:3,166,311, A>T on the plus strand (T>A on the coding strand, the complement: PITRM1 is on the minus strand). VCF-style: chr10-3166311-A-T. GRCh37 (hg19) VCF-style: chr10-3208503-A-T.
Other names: c.336T>A, p.Cys112Ter (NM_001242307.2, NM_001347725.2); c.240T>A, p.Cys80Ter (NM_001242309.1); c.-236T>A (NM_001347726.2, NM_001347727.2); c.-965T>A (NM_001347728.2); c.312T>A, p.Cys104Ter (NM_001347729.1, NM_001347730.1); short protein forms C104*, C112*, C80*.
Identifiers: ClinVar variation 2780756 (VCV002780756.3), dbSNP rs376504978, ClinGen allele CA375877166.

ClinVar aggregate classification (germline): Uncertain significance (1 of 4 stars; one submission).

Allele frequency attached by ClinVar (database versions not stated): gnomAD exomes below 0.00001.

Submission:

Labcorp Genetics (formerly Invitae), Labcorp
Classification: Uncertain significance. Last evaluated: 2024-01-16. Review status: criteria provided, single submitter. Criteria: Invitae Variant Classification Sherloc (09022015). Collection method: clinical testing. Allele origin: germline.
Comment: This sequence change creates a premature translational stop signal (p.Cys80*) in the PITRM1 gene. It is expected to result in an absent or disrupted protein product. However, the current clinical and genetic evidence is not sufficient to establish whether loss-of-function variants in PITRM1 cause disease. This variant is present in population databases (no rsID available, gnomAD 0.0009%). This variant has not been reported in the literature in individuals affected with PITRM1-related conditions. In summary, the available evidence is currently insufficient to determine the role of this variant in disease. Therefore, it has been classified as a Variant of Uncertain Significance.